The following is an entry in ClinVar:

NM_000179.3(MSH6):c.13A>G (p.Ser5Gly)

Gene: MSH6 (mutS homolog 6; plus strand). Cytogenetic location: 2p16.3.
Variant type: single nucleotide variant.
Coding change: c.13A>G on transcript NM_000179.3 (MANE Select); coding-DNA position 13, A replaced by G.
Protein change: p.Ser5Gly; replaces serine 5 with glycine.
Molecular consequence: missense variant. On other transcripts: 5 prime UTR variant (8), non-coding transcript variant (5), intron variant (5).
Genome position (GRCh38, 1-based): chr2:47,783,246, A>G. VCF-style: chr2-47783246-A-G. GRCh37 (hg19) VCF-style: chr2-48010385-A-G.
Other names: c.13A>G, p.Ser5Gly (NM_001281492.2, NM_001406795.1, NM_001406796.1 and 9 more transcripts); c.-724A>G (NM_001281493.2, NM_001406811.1); c.-316A>G (NM_001406799.1); c.-43A>G (NM_001406804.1); c.-916A>G (NM_001406807.1); c.-571A>G (NM_001406812.1); c.-982A>G (NM_001406814.1); c.-527A>G (NM_001406816.1); and 3 more; short protein forms S5G.
Identifiers: ClinVar variation 2795012 (VCV002795012.4), dbSNP rs2530313810, ClinGen allele CA346734481.
Genomic context (GRCh38, chr2:47,783,246, plus strand): 5'-TTTAGGAGCTCCGTCCGACAGAACGGTTGGGCCTTGCCGGCTGTCGGTATGTCGCGACAG[A>G]GCACCCTGTACAGCTTCTTCCCCAAGTCTCCGGCGCTGAGTGATGCCAACAAGGCCTCGG-3'
Protein context (NP_000170.1, residues 1-15): MSRQ[Ser5Gly]TLYSFFPKSP

ClinVar aggregate classification (germline): Uncertain significance. Review status: criteria provided, multiple submitters, no conflicts (2 of 4 stars). 2 submissions from 2 submitters: Uncertain significance (2). Last evaluated 2026-07-07.

Conditions:
Hereditary cancer-predisposing syndrome. Also called: Hereditary Cancer Syndrome; Hereditary neoplastic syndrome; Neoplastic Syndromes, Hereditary; Tumor predisposition. Identifiers: Orphanet 140162, MedGen C0027672, MeSH D009386, MONDO:0015356.
Hereditary nonpolyposis colorectal neoplasms. Identifiers: MedGen C0009405, MeSH D003123.

Submissions (2):

Ambry Genetics
Classification: Uncertain significance for Hereditary cancer-predisposing syndrome. Last evaluated: 2026-07-07. Review status: criteria provided, single submitter. Criteria: Ambry Variant Classification Scheme 2023. Collection method: clinical testing. Allele origin: germline.
Comment: The p.S5G variant (also known as c.13A>G), located in coding exon 1 of the MSH6 gene, results from an A to G substitution at nucleotide position 13. The serine at codon 5 is replaced by glycine, an amino acid with similar properties. This amino acid position is conserved. In addition, the in silico prediction for this alteration is inconclusive. Based on the available evidence, the clinical significance of this variant remains unclear.

Labcorp Genetics (formerly Invitae), Labcorp
Classification: Uncertain significance for Hereditary nonpolyposis colorectal neoplasms. Last evaluated: 2023-11-02. Review status: criteria provided, single submitter. Criteria: Invitae Variant Classification Sherloc (09022015). Collection method: clinical testing. Allele origin: germline.
Comment: This sequence change replaces serine, which is neutral and polar, with glycine, which is neutral and non-polar, at codon 5 of the MSH6 protein (p.Ser5Gly). This variant is not present in population databases (gnomAD no frequency). This variant has not been reported in the literature in individuals affected with MSH6-related conditions. Advanced modeling of protein sequence and biophysical properties (such as structural, functional, and spatial information, amino acid conservation, physicochemical variation, residue mobility, and thermodynamic stability) performed at Invitae indicates that this missense variant is not expected to disrupt MSH6 protein function with a negative predictive value of 95%. In summary, the available evidence is currently insufficient to determine the role of this variant in disease. Therefore, it has been classified as a Variant of Uncertain Significance.